The following is an entry in ClinVar:

NM_002968.3(SALL1):c.1636C>G (p.Pro546Ala)

Gene: SALL1 (spalt like transcription factor 1; minus strand). Cytogenetic location: 16q12.1.
Variant type: single nucleotide variant.
Coding change: c.1636C>G on transcript NM_002968.3 (MANE Select); coding-DNA position 1636, C replaced by G.
Protein change: p.Pro546Ala; replaces proline 546 with alanine.
Molecular consequence: missense variant.
Genome position (GRCh38, 1-based): chr16:51,140,586, G>C on the plus strand (C>G on the coding strand, the complement: SALL1 is on the minus strand). VCF-style: chr16-51140586-G-C. GRCh37 (hg19) VCF-style: chr16-51174497-G-C.
Other names: c.1345C>G, p.Pro449Ala (NM_001127892.2); short protein forms P449A, P546A.
Identifiers: ClinVar variation 1988165 (VCV001988165.4), dbSNP rs750142302, ClinGen allele CA8053258.
Genomic context (GRCh38, chr16:51,140,586, plus strand): 5'-GGCTTGGGAGGGTTGGGGGCAACGGCAGGCCGACTGAAGTGGTCAGAGTAGGCAGGACTG[G>C]TTTGGTGTCTAGCCAGCTGGTGACTGGCTTCTCTGGAGGGATGGACATGCCATATGGGAT-3'
Protein context (NP_002959.2, residues 536-556): KPVTSWLDTK[Pro546Ala]VLPTLTTSVG

ClinVar aggregate classification (germline): Uncertain significance (1 of 4 stars; one submission).

Conditions:
Townes syndrome (TBS). Also called: Townes-Brocks syndrome. Identifiers: Orphanet 857, MedGen C0265246, MeSH C536974, MONDO:0007142.

Allele frequency attached by ClinVar (database versions not stated): ExAC 0.00001.

Submission:

Labcorp Genetics (formerly Invitae), Labcorp
Classification: Uncertain significance for Townes syndrome. Last evaluated: 2022-06-13. Review status: criteria provided, single submitter. Criteria: Invitae Variant Classification Sherloc (09022015). Collection method: clinical testing. Allele origin: germline.
Comment: Algorithms developed to predict the effect of missense changes on protein structure and function are either unavailable or do not agree on the potential impact of this missense change (SIFT: "Deleterious"; PolyPhen-2: "Probably Damaging"; Align-GVGD: "Class C0"). This variant has not been reported in the literature in individuals affected with SALL1-related conditions. This variant is present in population databases (rs750142302, gnomAD 0.0009%). This sequence change replaces proline, which is neutral and non-polar, with alanine, which is neutral and non-polar, at codon 546 of the SALL1 protein (p.Pro546Ala). In summary, the available evidence is currently insufficient to determine the role of this variant in disease. Therefore, it has been classified as a Variant of Uncertain Significance.